The following is an entry in ClinVar:

ClinVar aggregate classification (germline): Likely pathogenic (1 of 4 stars; one submission).

Conditions:
Usher syndrome type 3A (USH3A). Also called: USHER SYNDROME, TYPE IIIA. Identifiers: MedGen C5779850, MONDO:0010170, OMIM 276902.
Retinitis pigmentosa 61 (RP61). Identifiers: Orphanet 791, MedGen C3280041, MONDO:0013610, OMIM 614180.

Submission:

Juno Genomics, Hangzhou Juno Genomics, Inc
Classification: Likely pathogenic for Usher syndrome type 3A; Retinitis pigmentosa 61. Review status: criteria provided, single submitter. Criteria: ACMG Guidelines, 2015. Collection method: clinical testing. Allele origin: germline.
Comment: Null variant in a gene where loss of function (LOF) is a known mechanism of disease.;Absent from controls (or at extremely low frequency if recessive) in Genome Aggregation Database.

NM_174878.3(CLRN1):c.31del (p.Cys11fs)

Genes: CLRN1 (clarin 1; minus strand), CLRN1-AS1 (CLRN1 antisense RNA 1; plus strand). Cytogenetic location: 3q25.1.
Variant type: Deletion.
Coding change: c.31del on transcript NM_174878.3 (MANE Select); coding-DNA position 31, one base deleted (T; older notation c.31delT).
Protein change: p.Cys11fs; shifts the reading frame from cysteine 11.
Molecular consequence: frameshift variant. On other transcripts: non-coding transcript variant (2).
Genome position (GRCh38, 1-based): chr3:150,972,678, A deleted on the plus strand (T on the coding strand, the reverse complement: CLRN1 is on the minus strand); the first of 6 consecutive A bases (chr3:150,972,678-150,972,683); deleting any one gives the same sequence. VCF-style (leftmost placement, unchanged base first): chr3-150972677-CA-C. GRCh37 (hg19) VCF-style: chr3-150690464-CA-C.
Other names: c.31del, p.Cys11fs (NM_001195794.1, NM_001256819.2); short protein forms C11fs.
Identifiers: ClinVar variation 5006569 (VCV005006569.2).
Genomic context (GRCh38, chr3:150,972,677, plus strand): 5'-GGTGTCCCCAAGGCTGTCACAACTCCGAGGGCACATGCAAAACTGAACACTCCGGCCATG[CA>C]AAAAATGATTTTCTTCTGTTGGCTTGGCATGATGAGAAACGGCTTCTGTGAGGGCGAGGT-3'